The following is an entry in ClinVar:

NM_001875.5(CPS1):c.2945G>T (p.Gly982Val)

Gene: CPS1 (carbamoyl-phosphate synthase 1; plus strand). Cytogenetic location: 2q34.
Variant type: single nucleotide variant.
Coding change: c.2945G>T on transcript NM_001875.5 (MANE Select); coding-DNA position 2945, G replaced by T.
Protein change: p.Gly982Val; replaces glycine 982 with valine.
Molecular consequence: missense variant. On other transcripts: non-coding transcript variant (2).
Genome position (GRCh38, 1-based): chr2:210,640,045, G>T. VCF-style: chr2-210640045-G-T. GRCh37 (hg19) VCF-style: chr2-211504769-G-T.
Other names: c.2945G>T (LRG_336t1); c.2945G>T, p.Gly982Val (NM_001122633.3, NM_001369257.1); c.2978G>T, p.Gly993Val (NM_001369256.1); short protein forms G982V, G993V.
Identifiers: ClinVar variation 553356 (VCV000553356.10), dbSNP rs121912595, ClinGen allele CA2086804.

ClinVar aggregate classification (germline): Conflicting classifications of pathogenicity. Review status: criteria provided, conflicting classifications (1 of 4 stars). 5 submissions from 5 submitters: Likely pathogenic (1); Uncertain significance (2). 2 of the submissions do not count toward it. Last evaluated 2026-02-23.

Conditions:
Congenital hyperammonemia, type I. Also called: Carbamoyl phosphate synthetase I deficiency disease; Carbamoyl-phosphate synthase I deficiency; CPS I DEFICIENCY; Carbamoyl phosphate synthetase 1 deficiency; Hyperammonemia due to carbamoyl phosphate synthetase 1 deficiency; CPS 1 deficiency. Identifiers: Orphanet 147, MedGen C4082171, MONDO:0009376, OMIM 237300.
Inborn genetic diseases. Identifiers: MedGen C0950123, MeSH D030342.

Allele frequency attached by ClinVar (database versions not stated): ExAC 0.00001; gnomAD 0.00001; TOPMed 0.00001.
gnomAD v4.1: 13 of 1,605,548 alleles (0.00081%); highest among the groups gnomAD compares: African/African-American, 0.0013%; no homozygotes.

Submissions (5):

Myriad Genetics, Inc.
Classification: Uncertain significance for Congenital hyperammonemia, type I. Last evaluated: 2026-02-23. Review status: criteria provided, single submitter. Criteria: Myriad Autosomal Dominant, Autosomal Recessive and X-Linked Classification Criteria (2023). Collection method: clinical testing. Allele origin: unknown.
Comment: NM_001875.4(CPS1):c.2945G>T(G982V) is a missense variant classified as a variant of uncertain significance in the context of carbamoylphosphate synthetase I deficiency. G982V has been observed in a case with relevant disease (PMID: 20855223). Relevant functional assessments of this variant are not available in the literature. G982V has been observed in referenced population frequency databases. In summary, there is insufficient evidence to classify NM_001875.4(CPS1):c.2945G>T(G982V) as pathogenic or benign. Please note: this variant was assessed in the context of healthy population screening.

Labcorp Genetics (formerly Invitae), Labcorp
Classification: Likely pathogenic for Congenital hyperammonemia, type I. Last evaluated: 2025-05-05. Review status: criteria provided, single submitter. Criteria: Invitae Variant Classification Sherloc (09022015). Collection method: clinical testing. Allele origin: germline.
Comment: This sequence change replaces glycine, which is neutral and non-polar, with valine, which is neutral and non-polar, at codon 982 of the CPS1 protein (p.Gly982Val). This variant is not present in population databases (gnomAD no frequency). This missense change has been observed in individuals with clinical features of carbamoyl phosphate synthetase I deficiency (PMID: 20855223, 21120950; internal data). ClinVar contains an entry for this variant (Variation ID: 553356). Invitae Evidence Modeling of protein sequence and biophysical properties (such as structural, functional, and spatial information, amino acid conservation, physicochemical variation, residue mobility, and thermodynamic stability) indicates that this missense variant is expected to disrupt CPS1 protein function with a positive predictive value of 95%. This variant disrupts the p.Gly982 amino acid residue in CPS1. Other variant(s) that disrupt this residue have been observed in individuals with CPS1-related conditions (PMID: 17310273, 20855223, 21120950), which suggests that this may be a clinically significant amino acid residue. In summary, the currently available evidence indicates that the variant is pathogenic, but additional data are needed to prove that conclusively. Therefore, this variant has been classified as Likely Pathogenic.

Ambry Genetics
Classification: Uncertain significance for Inborn genetic diseases. Last evaluated: 2022-05-09. Review status: criteria provided, single submitter. Criteria: Ambry Variant Classification Scheme 2023. Collection method: clinical testing. Allele origin: germline.

Natera, Inc.
Classification: Uncertain significance for Carbamoyl-phosphate synthase I deficiency. Last evaluated: 2020-09-16. Review status: no assertion criteria provided. Collection method: clinical testing. Allele origin: germline. Not counted in ClinVar's aggregate classification.

Counsyl
Classification: Uncertain significance for Congenital hyperammonemia, type I. Last evaluated: 2017-08-16. Review status: no assertion criteria provided. Collection method: clinical testing. Allele origin: unknown. Not counted in ClinVar's aggregate classification.

Literature cited by the submitters: PubMed 20855223 (cited by 4 submitters); PubMed 21120950 (cited by Labcorp Genetics (formerly Invitae), Labcorp); PubMed 17310273 (cited by Labcorp Genetics (formerly Invitae), Labcorp).